The following is an entry in ClinVar:

ClinVar aggregate classification (germline): Uncertain significance. Review status: criteria provided, multiple submitters, no conflicts (2 of 4 stars). 2 submissions from 2 submitters: Uncertain significance (2). Last evaluated 2026-08-23.

Conditions:
Inborn genetic diseases. Identifiers: MedGen C0950123, MeSH D030342.
Familial temporal lobe epilepsy 7. Identifiers: Orphanet 101046, MedGen C4225327, MONDO:0014639, OMIM 616436.
Norman-Roberts syndrome (LIS2). Also called: Lissencephaly 2 (Norman-Roberts type). Identifiers: Orphanet 89844, MedGen C0796089, MONDO:0009760, OMIM 257320.

Allele frequency attached by ClinVar (database versions not stated): TOPMed 0.00001.
gnomAD v4.1: 1 of 1,614,234 alleles (0.000062%); highest among the groups gnomAD compares: Non-Finnish European, 0.000085%; no homozygotes.

Submissions (2):

Ambry Genetics
Classification: Uncertain significance for Inborn genetic diseases. Last evaluated: 2026-08-23. Review status: criteria provided, single submitter. Criteria: Ambry Variant Classification Scheme 2023. Collection method: clinical testing. Allele origin: germline.

Labcorp Genetics (formerly Invitae), Labcorp
Classification: Uncertain significance for Familial temporal lobe epilepsy 7; Norman-Roberts syndrome. Last evaluated: 2024-01-22. Review status: criteria provided, single submitter. Criteria: Invitae Variant Classification Sherloc (09022015). Collection method: clinical testing. Allele origin: germline.
Comment: This sequence change replaces proline, which is neutral and non-polar, with glutamine, which is neutral and polar, at codon 2339 of the RELN protein (p.Pro2339Gln). This variant is not present in population databases (gnomAD no frequency). This variant has not been reported in the literature in individuals affected with RELN-related conditions. Advanced modeling of protein sequence and biophysical properties (such as structural, functional, and spatial information, amino acid conservation, physicochemical variation, residue mobility, and thermodynamic stability) performed at Invitae indicates that this missense variant is not expected to disrupt RELN protein function with a negative predictive value of 80%. In summary, the available evidence is currently insufficient to determine the role of this variant in disease. Therefore, it has been classified as a Variant of Uncertain Significance.

NM_005045.4(RELN):c.7016C>A (p.Pro2339Gln)

Gene: RELN (reelin; minus strand). Cytogenetic location: 7q22.1.
Variant type: single nucleotide variant.
Coding change: c.7016C>A on transcript NM_005045.4 (MANE Select); coding-DNA position 7016, C replaced by A.
Protein change: p.Pro2339Gln; replaces proline 2339 with glutamine.
Molecular consequence: missense variant.
Genome position (GRCh38, 1-based): chr7:103,539,242, G>T on the plus strand (C>A on the coding strand, the complement: RELN is on the minus strand). VCF-style: chr7-103539242-G-T. GRCh37 (hg19) VCF-style: chr7-103179689-G-T.
Other names: c.7016C>A (NM_005045.3); c.7016C>A, p.Pro2339Gln (NM_173054.3); short protein forms P2339Q.
Identifiers: ClinVar variation 2949271 (VCV002949271.4), dbSNP rs1830123455, ClinGen allele CA368769327.